The following is an entry in ClinVar:

NM_016035.5(COQ4):c.299+1G>A

Gene: COQ4 (coenzyme Q4; plus strand). Cytogenetic location: 9q34.11.
Variant type: single nucleotide variant.
Coding change: c.299+1G>A on transcript NM_016035.5 (MANE Select); the canonical splice donor site of the intron after coding-DNA position 299, G replaced by A.
Molecular consequence: splice donor variant. On other transcripts: intron variant (1).
Genome position (GRCh38, 1-based): chr9:128,325,240, G>A. VCF-style: chr9-128325240-G-A. GRCh37 (hg19) VCF-style: chr9-131087519-G-A.
Other names: c.203-539G>A (NM_001305942.2).
Identifiers: ClinVar variation 2897600 (VCV002897600.3), dbSNP rs1183420702, ClinGen allele CA375020772.

ClinVar aggregate classification (germline): Likely pathogenic (1 of 4 stars; one submission).

Conditions:
Neonatal encephalomyopathy-cardiomyopathy-respiratory distress syndrome. Also called: Coenzyme Q10 deficiency, primary, 7. Identifiers: Orphanet 457185, MedGen C5568562, MONDO:0014562, OMIM 616276.

Allele frequency attached by ClinVar (database versions not stated): TOPMed 0.00001.
gnomAD v4.1: 1 of 1,610,052 alleles (0.000062%); no homozygotes.

Submission:

Labcorp Genetics (formerly Invitae), Labcorp
Classification: Likely pathogenic for Neonatal encephalomyopathy-cardiomyopathy-respiratory distress syndrome. Last evaluated: 2022-11-02. Review status: criteria provided, single submitter. Criteria: Invitae Variant Classification Sherloc (09022015). Collection method: clinical testing. Allele origin: germline.
Comment: This variant has not been reported in the literature in individuals affected with COQ4-related conditions. This variant is present in population databases (no rsID available, gnomAD 0.003%). This sequence change affects a donor splice site in intron 3 of the COQ4 gene. It is expected to disrupt RNA splicing. Variants that disrupt the donor or acceptor splice site typically lead to a loss of protein function (PMID: 16199547), and loss-of-function variants in COQ4 are known to be pathogenic (PMID: 25658047). In summary, the currently available evidence indicates that the variant is pathogenic, but additional data are needed to prove that conclusively. Therefore, this variant has been classified as Likely Pathogenic. Algorithms developed to predict the effect of sequence changes on RNA splicing suggest that this variant may disrupt the consensus splice site.

Literature cited by the submitters: PubMed 16199547; PubMed 25658047.